The following is an entry in ClinVar:

ClinVar aggregate classification (germline): Likely benign. Review status: criteria provided, multiple submitters, no conflicts (2 of 4 stars). 2 submissions from 2 submitters: Likely benign (2). Last evaluated 2022-12-01.

Allele frequency attached by ClinVar (database versions not stated): gnomAD 0.00001; TOPMed 0.00002; gnomAD exomes 0.00004.
gnomAD v4.1: 60 of 1,614,118 alleles (0.0037%); highest among the groups gnomAD compares: Non-Finnish European, 0.0048%; no homozygotes.

Submissions (2):

CeGaT Center for Human Genetics Tuebingen
Classification: Likely benign. Last evaluated: 2022-12-01. Review status: criteria provided, single submitter. Criteria: CeGaT Center For Human Genetics Tuebingen Variant Classification Criteria Version 2. Collection method: clinical testing. Allele origin: germline. Affected: yes. Observed: 1 variant allele.
Comment: FAT2: BP4, BP7

Blueprint Genetics
Classification: Likely benign. Last evaluated: 2020-01-15. Review status: criteria provided, single submitter. Criteria: ACMG Guidelines, 2015. Collection method: clinical testing. Allele origin: germline.

NM_001447.3(FAT2):c.1518T>C (p.Ser506=)

Gene: FAT2 (FAT atypical cadherin 2; minus strand). Cytogenetic location: 5q33.1.
Variant type: single nucleotide variant.
Coding change: c.1518T>C on transcript NM_001447.3 (MANE Select); coding-DNA position 1518, T replaced by C.
Protein change: p.Ser506=; no amino-acid change (serine 506 retained).
Molecular consequence: synonymous variant.
Genome position (GRCh38, 1-based): chr5:151,567,414, A>G on the plus strand (T>C on the coding strand, the complement: FAT2 is on the minus strand). VCF-style: chr5-151567414-A-G. GRCh37 (hg19) VCF-style: chr5-150946975-A-G.
Identifiers: ClinVar variation 2655966 (VCV002655966.25), dbSNP rs1240183407, ClinGen allele CA447419371.